The following is an entry in ClinVar:

ClinVar aggregate classification (germline): Uncertain significance (1 of 4 stars; one submission).

Conditions:
Inborn genetic diseases. Identifiers: MedGen C0950123, MeSH D030342.

gnomAD v4.1: 5 of 1,614,132 alleles (0.00031%); highest among the groups gnomAD compares: Admixed American, 0.0083%; no homozygotes.

Submission:

Ambry Genetics
Classification: Uncertain significance for Inborn genetic diseases. Last evaluated: 2025-05-02. Review status: criteria provided, single submitter. Criteria: Ambry Variant Classification Scheme 2023. Collection method: clinical testing. Allele origin: germline.
Comment: The p.P209R variant (also known as c.626C>G), located in coding exon 6 of the PAX5 gene, results from a C to G substitution at nucleotide position 626. The proline at codon 209 is replaced by arginine, an amino acid with dissimilar properties. This amino acid position is conserved. In addition, the in silico prediction for this alteration is inconclusive. Based on the available evidence, the clinical significance of this variant remains unclear.

NM_016734.3(PAX5):c.626C>G (p.Pro209Arg)

Gene: PAX5 (paired box 5; minus strand). Cytogenetic location: 9p13.2.
Variant type: single nucleotide variant.
Coding change: c.626C>G on transcript NM_016734.3 (MANE Select); coding-DNA position 626, C replaced by G.
Protein change: p.Pro209Arg; replaces proline 209 with arginine.
Molecular consequence: missense variant. On other transcripts: non-coding transcript variant (2).
Genome position (GRCh38, 1-based): chr9:36,966,703, G>C on the plus strand (C>G on the coding strand, the complement: PAX5 is on the minus strand). VCF-style: chr9-36966703-G-C. GRCh37 (hg19) VCF-style: chr9-36966700-G-C.
Other names: c.626C>G, p.Pro209Arg (NM_001280547.2, NM_001280548.2, NM_001280549.2 and 2 more transcripts); c.302C>G, p.Pro101Arg (NM_001280551.2, NM_001280556.2); c.497C>G, p.Pro166Arg (NM_001280553.2, NM_001280554.2); c.428C>G, p.Pro143Arg (NM_001280555.2); short protein forms P101R, P143R, P166R, P209R.
Identifiers: ClinVar variation 3928313 (VCV003928313.1).